The following is an entry in ClinVar:

NM_006939.4(SOS2):c.83G>A (p.Arg28Gln)

Genes: SOS2 (SOS Ras/Rho guanine nucleotide exchange factor 2; minus strand), LOC130055588 (ATAC-STARR-seq lymphoblastoid silent region 5718; plus strand). Cytogenetic location: 14q21.3.
Variant type: single nucleotide variant.
Coding change: c.83G>A on transcript NM_006939.4 (MANE Select); coding-DNA position 83, G replaced by A.
Protein change: p.Arg28Gln; replaces arginine 28 with glutamine.
Molecular consequence: missense variant.
Genome position (GRCh38, 1-based): chr14:50,231,201, C>T on the plus strand (G>A on the coding strand, the complement: SOS2 is on the minus strand). VCF-style: chr14-50231201-C-T. GRCh37 (hg19) VCF-style: chr14-50697919-C-T.
Other names: c.83G>A, p.Arg28Gln (NM_001411020.1); short protein forms R28Q.
Identifiers: ClinVar variation 1763242 (VCV001763242.6), dbSNP rs1887533896, ClinGen allele CA389657450.

ClinVar aggregate classification (germline): Uncertain significance. Review status: criteria provided, multiple submitters, no conflicts (2 of 4 stars). 2 submissions from 2 submitters: Uncertain significance (2). Last evaluated 2025-01-28.

Conditions:
Noonan syndrome 9 (NS9). Identifiers: Orphanet 648, MedGen C4225282, MONDO:0014691, OMIM 616559.
Cardiovascular phenotype. Identifiers: MedGen CN230736.

Allele frequency attached by ClinVar (database versions not stated): TOPMed 0.00001.
gnomAD v4.1: 2 of 1,475,600 alleles (0.00014%); highest among the groups gnomAD compares: Non-Finnish European, 0.00018%; no homozygotes.

Submissions (2):

Ambry Genetics
Classification: Uncertain significance for Cardiovascular phenotype. Last evaluated: 2025-01-28. Review status: criteria provided, single submitter. Criteria: Ambry Variant Classification Scheme 2023. Collection method: clinical testing. Allele origin: germline.
Comment: The p.R28Q variant (also known as c.83G>A), located in coding exon 1 of the SOS2 gene, results from a G to A substitution at nucleotide position 83. The arginine at codon 28 is replaced by glutamine, an amino acid with highly similar properties. This amino acid position is conserved. In addition, the in silico prediction for this alteration is inconclusive. Since supporting evidence is limited at this time, the clinical significance of this alteration remains unclear.

Labcorp Genetics (formerly Invitae), Labcorp
Classification: Uncertain significance for Noonan syndrome 9. Last evaluated: 2024-05-06. Review status: criteria provided, single submitter. Criteria: Invitae Variant Classification Sherloc (09022015). Collection method: clinical testing. Allele origin: germline.
Comment: This sequence change replaces arginine, which is basic and polar, with glutamine, which is neutral and polar, at codon 28 of the SOS2 protein (p.Arg28Gln). This variant is not present in population databases (gnomAD no frequency). This variant has not been reported in the literature in individuals affected with SOS2-related conditions. ClinVar contains an entry for this variant (Variation ID: 1763242). Advanced modeling of protein sequence and biophysical properties (such as structural, functional, and spatial information, amino acid conservation, physicochemical variation, residue mobility, and thermodynamic stability) has been performed at Invitae for this missense variant, however the output from this modeling did not meet the statistical confidence thresholds required to predict the impact of this variant on SOS2 protein function. In summary, the available evidence is currently insufficient to determine the role of this variant in disease. Therefore, it has been classified as a Variant of Uncertain Significance.